The following is an entry in ClinVar:

NM_000214.3(JAG1):c.3260C>T (p.Thr1087Met)

Gene: JAG1 (jagged canonical Notch ligand 1; minus strand). Cytogenetic location: 20p12.2.
Variant type: single nucleotide variant.
Coding change: c.3260C>T on transcript NM_000214.3 (MANE Select); coding-DNA position 3260, C replaced by T.
Protein change: p.Thr1087Met; replaces threonine 1087 with methionine.
Molecular consequence: missense variant.
Genome position (GRCh38, 1-based): chr20:10,639,895, G>A on the plus strand (C>T on the coding strand, the complement: JAG1 is on the minus strand). VCF-style: chr20-10639895-G-A. GRCh37 (hg19) VCF-style: chr20-10620543-G-A.
Other names: short protein forms T1087M.
Identifiers: ClinVar variation 960872 (VCV000960872.11), dbSNP rs763164530, ClinGen allele CA9764241.

ClinVar aggregate classification (germline): Conflicting classifications of pathogenicity. Review status: criteria provided, conflicting classifications (1 of 4 stars). 3 submissions from 3 submitters: Uncertain significance (2); Likely benign (1). Last evaluated 2024-05-19.

Conditions:
Cardiovascular phenotype. Identifiers: MedGen CN230736.
Charcot-Marie-Tooth disease, axonal, Type 2HH. Also called: CHARCOT-MARIE-TOOTH NEUROPATHY, TYPE 2HH. Identifiers: MedGen C5562003, MONDO:0030458, OMIM 619574.
Alagille syndrome due to a JAG1 point mutation. Also called: JAG1-Related Alagille Syndrome; HEPATIC DUCTULAR HYPOPLASIA, SYNDROMATIC; Alagille Syndrome 1. Identifiers: Orphanet 261619, Orphanet 52, MedGen C1956125, MONDO:0016862, OMIM 118450.
Deafness, congenital heart defects, and posterior embryotoxon (DCHE). Identifiers: MedGen C1866053, MONDO:0060713, OMIM 617992.
Tetralogy of Fallot (TOF). Identifiers: Orphanet 3303, MedGen C0039685, MONDO:0008542, OMIM 187500, HP:0001636.

Allele frequency attached by ClinVar (database versions not stated): gnomAD 0.00007; ExAC 0.00001; gnomAD exomes 0.00001; TOPMed 0.00003.
gnomAD v4.1: 24 of 1,614,054 alleles (0.0015%); highest among the groups gnomAD compares: African/African-American, 0.015%; no homozygotes.

Submissions (3):

Ambry Genetics
Classification: Uncertain significance for Cardiovascular phenotype. Last evaluated: 2024-05-19. Review status: criteria provided, single submitter. Criteria: Ambry Variant Classification Scheme 2023. Collection method: clinical testing. Allele origin: germline.
Comment: The p.T1087M variant (also known as c.3260C>T), located in coding exon 26 of the JAG1 gene, results from a C to T substitution at nucleotide position 3260. The threonine at codon 1087 is replaced by methionine, an amino acid with similar properties. This amino acid position is conserved. In addition, the in silico prediction for this alteration is inconclusive. Since supporting evidence is limited at this time, the clinical significance of this alteration remains unclear.

Fulgent Genetics
Classification: Uncertain significance for Alagille syndrome due to a JAG1 point mutation; Tetralogy of Fallot; Deafness, congenital heart defects, and posterior embryotoxon; Charcot-Marie-Tooth disease, axonal, Type 2HH. Last evaluated: 2024-03-05. Review status: criteria provided, single submitter. Criteria: ACMG Guidelines, 2015. Collection method: clinical testing. Allele origin: germline.

Labcorp Genetics (formerly Invitae), Labcorp
Classification: Likely benign for Alagille syndrome due to a JAG1 point mutation. Last evaluated: 2022-09-19. Review status: criteria provided, single submitter. Criteria: Invitae Variant Classification Sherloc (09022015). Collection method: clinical testing. Allele origin: germline.